The following is an entry in ClinVar:

ClinVar aggregate classification (germline): Pathogenic (1 of 4 stars; one submission).

Conditions:
Hajdu-Cheney syndrome (HJCYS). Also called: SERPENTINE FIBULA-POLYCYSTIC KIDNEY SYNDROME; ACROOSTEOLYSIS WITH OSTEOPOROSIS AND CHANGES IN SKULL AND MANDIBLE; Acroosteolysis dominant type. Identifiers: Orphanet 955, MedGen C0917715, MONDO:0007057, OMIM 102500.

Submission:

Labcorp Genetics (formerly Invitae), Labcorp
Classification: Pathogenic for Hajdu-Cheney syndrome. Last evaluated: 2018-03-15. Review status: criteria provided, single submitter. Criteria: Invitae Variant Classification Sherloc (09022015). Collection method: clinical testing. Allele origin: germline.
Comment: For these reasons, this variant has been classified as Pathogenic. A different truncation (p.Ile2304Hisfs*9) that lies downstream of this variant has been determined to be pathogenic in individuals affected with Hajdu-Cheney syndrome (PMID: 27312922, Invitae). This suggests that deletion of this region of the NOTCH2 protein is causative of disease. This variant has not been reported in the literature in individuals with NOTCH2-related disease. This variant is not present in population databases (ExAC no frequency). This sequence change results in a premature translational stop signal in the NOTCH2 gene (p.Pro2168Glnfs*2). While this is not anticipated to result in nonsense mediated decay, it is expected to delete the last 302 amino acids of the NOTCH2 protein.

Literature cited by the submitters: PubMed 27312922.

NM_024408.4(NOTCH2):c.6503del (p.Pro2168fs)

Gene: NOTCH2 (notch receptor 2; minus strand). Cytogenetic location: 1p12.
Variant type: Deletion.
Coding change: c.6503del on transcript NM_024408.4 (MANE Select); coding-DNA position 6503, one base deleted (C; older notation c.6503delC).
Protein change: p.Pro2168fs; shifts the reading frame from proline 2168.
Molecular consequence: frameshift variant.
Genome position (GRCh38, 1-based): chr1:119,916,219, G deleted on the plus strand (C on the coding strand, the reverse complement: NOTCH2 is on the minus strand); the first of 2 consecutive G bases (chr1:119,916,219-119,916,220); deleting either gives the same sequence. VCF-style (leftmost placement, unchanged base first): chr1-119916218-TG-T. GRCh37 (hg19) VCF-style: chr1-120458841-TG-T.
Other names: short protein forms P2168fs.
Identifiers: ClinVar variation 571329 (VCV000571329.9), dbSNP rs1557802165, ClinGen allele CA891842455.